The following is an entry in ClinVar:

NM_000384.3(APOB):c.694-4_694-2del

Gene: APOB (apolipoprotein B; minus strand). Cytogenetic location: 2p24.1.
Variant type: Deletion.
Coding change: c.694-4_694-2del on transcript NM_000384.3 (MANE Select); 4 bases into the intron before coding-DNA position 694 through the canonical splice acceptor site of the intron before coding-DNA position 694, 3 bases deleted (ATA; older notation c.694-4_694-2delATA).
Molecular consequence: splice acceptor variant.
Genome position (GRCh38, 1-based): chr2:21,035,710-21,035,712, TAT deleted on the plus strand (ATA on the coding strand, the reverse complement: APOB is on the minus strand). VCF-style (leftmost placement, unchanged base first): chr2-21035709-CTAT-C. GRCh37 (hg19) VCF-style: chr2-21258581-CTAT-C.
Identifiers: ClinVar variation 2944357 (VCV002944357.3), dbSNP rs2465441803, ClinGen allele CA2740092705.

ClinVar aggregate classification (germline): Likely pathogenic (1 of 4 stars; one submission).

Conditions:
Familial hypobetalipoproteinemia 1. Also called: APOB-Related Familial Hypobetalipoproteinemia; Hypobetalipoproteinemia, normotriglyceridemic; Acanthocytosis with hypobetalipoproteinemia. Identifiers: MedGen C4551990, MONDO:0014252, OMIM 615558.
Hypercholesterolemia, autosomal dominant, type B (FHCL2). Also called: Familial Hypercholesterolemia Type B; APOLIPOPROTEIN B-100, FAMILIAL DEFECTIVE; APOLIPOPROTEIN B-100, FAMILIAL LIGAND-DEFECTIVE; HYPERCHOLESTEROLEMIA, FAMILIAL, DUE TO LIGAND-DEFECTIVE APOLIPOPROTEIN B; Hyperlipoproteinemia Type IIb; Familial hypercholesterolemia 2. Identifiers: MedGen C1704417, MONDO:0007751, OMIM 144010.

Submission:

Labcorp Genetics (formerly Invitae), Labcorp
Classification: Likely pathogenic for Familial hypobetalipoproteinemia 1; Hypercholesterolemia, autosomal dominant, type B. Last evaluated: 2023-02-16. Review status: criteria provided, single submitter. Criteria: Invitae Variant Classification Sherloc (09022015). Collection method: clinical testing. Allele origin: germline.
Comment: This sequence change affects a splice site in intron 6 of the APOB gene. It is expected to disrupt RNA splicing. Variants that disrupt the donor or acceptor splice site typically lead to a loss of protein function (PMID: 16199547), and loss-of-function variants in APOB are known to be pathogenic (PMID: 20032471). This variant is not present in population databases (gnomAD no frequency). This variant has not been reported in the literature in individuals affected with APOB-related conditions. Algorithms developed to predict the effect of sequence changes on RNA splicing suggest that this variant may disrupt the consensus splice site. In summary, the currently available evidence indicates that the variant is pathogenic, but additional data are needed to prove that conclusively. Therefore, this variant has been classified as Likely Pathogenic.

Literature cited by the submitters: PubMed 16199547; PubMed 20032471.